The following is an entry in ClinVar:

ClinVar aggregate classification (germline): Uncertain significance (1 of 4 stars; one submission).

Conditions:
Autosomal dominant childhood-onset proximal spinal muscular atrophy with contractures (SMALED2A). Also called: SPINAL MUSCULAR ATROPHY, LOWER EXTREMITY-PREDOMINANT, 2A, CHILDHOOD ONSET, AUTOSOMAL DOMINANT; Spinal muscular atrophy, lower extremity-predominant, 2A, autosomal dominant. Identifiers: Orphanet 363447, Orphanet 363454, MedGen C4747715, MONDO:0014121, OMIM 615290.

Submission:

Labcorp Genetics (formerly Invitae), Labcorp
Classification: Uncertain significance for Autosomal dominant childhood-onset proximal spinal muscular atrophy with contractures. Last evaluated: 2024-02-28. Review status: criteria provided, single submitter. Criteria: Invitae Variant Classification Sherloc (09022015). Collection method: clinical testing. Allele origin: germline.
Comment: This sequence change replaces leucine, which is neutral and non-polar, with methionine, which is neutral and non-polar, at codon 247 of the BICD2 protein (p.Leu247Met). This variant is not present in population databases (gnomAD no frequency). This variant has not been reported in the literature in individuals affected with BICD2-related conditions. Advanced modeling of protein sequence and biophysical properties (such as structural, functional, and spatial information, amino acid conservation, physicochemical variation, residue mobility, and thermodynamic stability) performed at Invitae indicates that this missense variant is not expected to disrupt BICD2 protein function with a negative predictive value of 80%. In summary, the available evidence is currently insufficient to determine the role of this variant in disease. Therefore, it has been classified as a Variant of Uncertain Significance.

NM_001003800.2(BICD2):c.739C>A (p.Leu247Met)

Gene: BICD2 (BICD cargo adaptor 2; minus strand). Cytogenetic location: 9q22.31.
Variant type: single nucleotide variant.
Coding change: c.739C>A on transcript NM_001003800.2 (MANE Select); coding-DNA position 739, C replaced by A.
Protein change: p.Leu247Met; replaces leucine 247 with methionine.
Molecular consequence: missense variant.
Genome position (GRCh38, 1-based): chr9:92,720,623, G>T on the plus strand (C>A on the coding strand, the complement: BICD2 is on the minus strand). VCF-style: chr9-92720623-G-T. GRCh37 (hg19) VCF-style: chr9-95482905-G-T.
Other names: c.739C>A, p.Leu247Met (NM_015250.4); short protein forms L247M.
Identifiers: ClinVar variation 2799039 (VCV002799039.3), dbSNP rs2490452502, ClinGen allele CA374043742.
Genomic context (GRCh38, chr9:92,720,623, plus strand): 5'-TGCTCATGTAGTGTGACAGCTCCTTGCGCAGGCTGTTCTTCTGTTCGCGCTCCGTCTTCA[G>T]GGTCTCCAGCGCCTCCTCCAGCTGCCGCTCTGAGATCTCCTTGAGGCGGATGGCATCCTC-3'
Protein context (NP_001003800.1, residues 237-257): ERQLEEALET[Leu247Met]KTEREQKNSL